The following is an entry in ClinVar:

ClinVar aggregate classification (germline): Uncertain significance. Review status: criteria provided, multiple submitters, no conflicts (2 of 4 stars). 3 submissions from 3 submitters: Uncertain significance (3). Last evaluated 2024-08-02.

Conditions:
Hereditary cancer-predisposing syndrome. Also called: Tumor predisposition; Hereditary neoplastic syndrome; Hereditary Cancer Syndrome; Neoplastic Syndromes, Hereditary. Identifiers: Orphanet 140162, MedGen C0027672, MeSH D009386, MONDO:0015356.
Hereditary breast ovarian cancer syndrome. Also called: Hereditary breast and ovarian cancer; Breast and ovarian cancer; BRCA1- and BRCA2-Associated Hereditary Breast and Ovarian Cancer; Hereditary breast and/or ovarian cancer syndrome; Hereditary breast and ovarian cancer syndrome; Hereditary breast and ovarian cancer syndrome (HBOC). Identifiers: Orphanet 145, MedGen C0677776, MeSH D061325, MONDO:0003582. Disease mechanism: loss of function.

Submissions (3):

Women's Health and Genetics/Laboratory Corporation of America, LabCorp
Classification: Uncertain significance. Last evaluated: 2024-08-02. Review status: criteria provided, single submitter. Criteria: LabCorp Variant Classification Summary - May 2015. Collection method: clinical testing. Allele origin: germline.

Ambry Genetics
Classification: Uncertain significance for Hereditary cancer-predisposing syndrome. Last evaluated: 2021-04-01. Review status: criteria provided, single submitter. Criteria: Ambry Variant Classification Scheme 2023. Collection method: clinical testing. Allele origin: germline.
Comment: The p.T203S variant (also known as c.607A>T), located in coding exon 6 of the BRCA2 gene, results from an A to T substitution at nucleotide position 607. The threonine at codon 203 is replaced by serine, an amino acid with similar properties. This amino acid position is well conserved in available vertebrate species. In addition, this alteration is predicted to be tolerated by in silico analysis. Since supporting evidence is limited at this time, the clinical significance of this alteration remains unclear.

Labcorp Genetics (formerly Invitae), Labcorp
Classification: Uncertain significance for Hereditary breast ovarian cancer syndrome. Last evaluated: 2021-03-22. Review status: criteria provided, single submitter. Criteria: Invitae Variant Classification Sherloc (09022015). Collection method: clinical testing. Allele origin: germline.
Comment: In summary, the available evidence is currently insufficient to determine the role of this variant in disease. Therefore, it has been classified as a Variant of Uncertain Significance. Advanced modeling of protein sequence and biophysical properties (such as structural, functional, and spatial information, amino acid conservation, physicochemical variation, residue mobility, and thermodynamic stability) performed at Invitae indicates that this missense variant is not expected to disrupt BRCA2 protein function. This sequence change replaces threonine with serine at codon 203 of the BRCA2 protein (p.Thr203Ser). The threonine residue is moderately conserved and there is a small physicochemical difference between threonine and serine. This variant has not been reported in the literature in individuals with BRCA2-related conditions. This variant is not present in population databases (ExAC no frequency).

NM_000059.4(BRCA2):c.607A>T (p.Thr203Ser)

Gene: BRCA2 (BRCA2 DNA repair associated; plus strand). Cytogenetic location: 13q13.1.
Variant type: single nucleotide variant.
Coding change: c.607A>T on transcript NM_000059.4 (MANE Select); coding-DNA position 607, A replaced by T.
Protein change: p.Thr203Ser; replaces threonine 203 with serine.
Molecular consequence: missense variant.
Genome position (GRCh38, 1-based): chr13:32,326,589, A>T. VCF-style: chr13-32326589-A-T. GRCh37 (hg19) VCF-style: chr13-32900726-A-T.
Other names: short protein forms T203S.
Identifiers: ClinVar variation 1461870 (VCV001461870.11), dbSNP rs2137452820, ClinGen allele CA387758246.